The following is an entry in ClinVar:

ClinVar aggregate classification (germline): Conflicting classifications of pathogenicity. Review status: criteria provided, conflicting classifications (1 of 4 stars). 5 submissions from 5 submitters: Uncertain significance (3); Benign (1); Likely benign (1). Last evaluated 2025-11-24.

Conditions:
Hereditary cancer-predisposing syndrome. Also called: Neoplastic Syndromes, Hereditary; Hereditary Cancer Syndrome; Hereditary neoplastic syndrome; Tumor predisposition. Identifiers: Orphanet 140162, MedGen C0027672, MeSH D009386, MONDO:0015356.
BAP1-related tumor predisposition syndrome (TPDS1). Also called: COMMON Syndrome; TUMOR PREDISPOSITION SYNDROME 1; BAP1 tumor predisposition syndrome; Tumor susceptibility linked to germline BAP1 mutations. Identifiers: Orphanet 289539, MedGen C3280492, MONDO:0013692, OMIM 614327.

Allele frequency attached by ClinVar (database versions not stated): TOPMed below 0.00001; gnomAD 0.00002; gnomAD exomes 0.00004 and 0.00009; ExAC 0.00008.

Submissions (5):

Labcorp Genetics (formerly Invitae), Labcorp
Classification: Uncertain significance for BAP1-related tumor predisposition syndrome. Last evaluated: 2025-11-24. Review status: criteria provided, single submitter. Criteria: Invitae Variant Classification Sherloc (09022015). Collection method: clinical testing. Allele origin: germline.
Comment: This sequence change replaces serine, which is neutral and polar, with glycine, which is neutral and non-polar, at codon 537 of the BAP1 protein (p.Ser537Gly). This variant is present in population databases (rs747109385, gnomAD 0.07%), and has an allele count higher than expected for a pathogenic variant. This variant has not been reported in the literature in individuals affected with BAP1-related conditions. ClinVar contains an entry for this variant (Variation ID: 539898). An algorithm developed to predict the effect of missense changes on protein structure and function outputs the following: PolyPhen-2: "Benign". The glycine amino acid residue is found in multiple mammalian species, which suggests that this missense change does not adversely affect protein function. In summary, the available evidence is currently insufficient to determine the role of this variant in disease. Therefore, it has been classified as a Variant of Uncertain Significance.

Ambry Genetics
Classification: Benign for Hereditary cancer-predisposing syndrome. Last evaluated: 2023-08-08. Review status: criteria provided, single submitter. Criteria: Ambry Variant Classification Scheme 2023. Collection method: clinical testing. Allele origin: germline.

Baylor Genetics
Classification: Uncertain significance for BAP1-related tumor predisposition syndrome. Last evaluated: 2023-06-22. Review status: criteria provided, single submitter. Criteria: ACMG Guidelines, 2015. Collection method: clinical testing. Allele origin: unknown.

GeneDx
Classification: Uncertain significance. Last evaluated: 2023-01-10. Review status: criteria provided, single submitter. Criteria: GeneDx Variant Classification Process June 2021. Collection method: clinical testing. Allele origin: germline. Affected: yes.
Comment: In silico analysis supports that this missense variant does not alter protein structure/function; Has not been previously published as pathogenic or benign to our knowledge

Color Diagnostics, LLC DBA Color Health
Classification: Likely benign for Hereditary cancer-predisposing syndrome. Last evaluated: 2020-05-15. Review status: criteria provided, single submitter. Criteria: ACMG Guidelines, 2015. Collection method: clinical testing. Allele origin: germline.

NM_004656.4(BAP1):c.1609A>G (p.Ser537Gly)

Gene: BAP1 (BRCA1 associated deubiquitinase 1; minus strand). Cytogenetic location: 3p21.1.
Variant type: single nucleotide variant.
Coding change: c.1609A>G on transcript NM_004656.4 (MANE Select); coding-DNA position 1609, A replaced by G.
Protein change: p.Ser537Gly; replaces serine 537 with glycine.
Molecular consequence: missense variant.
Genome position (GRCh38, 1-based): chr3:52,403,536, T>C on the plus strand (A>G on the coding strand, the complement: BAP1 is on the minus strand). VCF-style: chr3-52403536-T-C. GRCh37 (hg19) VCF-style: chr3-52437552-T-C.
Other names: short protein forms S537G.
Identifiers: ClinVar variation 539898 (VCV000539898.17), dbSNP rs747109385, ClinGen allele CA2436771.